The following is an entry in ClinVar:

ClinVar aggregate classification (germline): Pathogenic. Review status: reviewed by expert panel (3 of 4 stars). 5 submissions from 5 submitters: Pathogenic (1). 4 of the submissions do not count toward it. Last evaluated 2016-09-08.

Conditions:
Hereditary cancer-predisposing syndrome. Also called: Neoplastic Syndromes, Hereditary; Tumor predisposition; Hereditary neoplastic syndrome; Hereditary Cancer Syndrome. Identifiers: Orphanet 140162, MedGen C0027672, MeSH D009386, MONDO:0015356.
Hereditary breast ovarian cancer syndrome. Also called: Hereditary breast and ovarian cancer syndrome; Hereditary breast and ovarian cancer; Hereditary breast and ovarian cancer syndrome (HBOC); Breast and ovarian cancer; Hereditary breast and/or ovarian cancer syndrome; BRCA1- and BRCA2-Associated Hereditary Breast and Ovarian Cancer. Identifiers: Orphanet 145, MedGen C0677776, MeSH D061325, MONDO:0003582. Disease mechanism: loss of function.
Breast-ovarian cancer, familial, susceptibility to, 2 (BROVCA2). Also called: BRCA2 Hereditary Breast and Ovarian Cancer. Identifiers: Orphanet 145, MedGen C2675520, MONDO:0012933, OMIM 612555. Disease mechanism: loss of function.

Submissions (5):

Evidence-based Network for the Interpretation of Germline Mutant Alleles (ENIGMA)
Classification: Pathogenic for Breast-ovarian cancer, familial, susceptibility to, 2. Last evaluated: 2016-09-08. Review status: reviewed by expert panel. Criteria: ENIGMA BRCA1/2 Classification Criteria (2015). Collection method: curation. Allele origin: germline.
Comment: Variant allele predicted to encode a truncated non-functional protein.

Labcorp Genetics (formerly Invitae), Labcorp
Classification: Pathogenic for Hereditary breast ovarian cancer syndrome. Last evaluated: 2025-11-03. Review status: criteria provided, single submitter. Criteria: Invitae Variant Classification Sherloc (09022015). Collection method: clinical testing. Allele origin: germline. Not counted in ClinVar's aggregate classification.
Comment: This sequence change creates a premature translational stop signal (p.Val2690Phefs*2) in the BRCA2 gene. It is expected to result in an absent or disrupted protein product. Loss-of-function variants in BRCA2 are known to be pathogenic (PMID: 20104584). This variant is not present in population databases (gnomAD no frequency). This premature translational stop signal has been observed in individual(s) with a personal and/or family history of breast and/or ovarian cancer (PMID: 19353265, 20859677). This variant is also known as c.8066_8067delGT and c.8068delGT. For these reasons, this variant has been classified as Pathogenic.

Ambry Genetics
Classification: Pathogenic for Hereditary cancer-predisposing syndrome. Last evaluated: 2022-12-16. Review status: criteria provided, single submitter. Criteria: Ambry Variant Classification Scheme 2023. Collection method: clinical testing. Allele origin: germline. Not counted in ClinVar's aggregate classification.
Comment: The c.8068_8069delGT pathogenic mutation, located in coding exon 17 of the BRCA2 gene, results from a deletion of two nucleotides at nucleotide positions 8068 to 8069, causing a translational frameshift with a predicted alternate stop codon (p.V2690Ffs*2). This variant has been reported in several high-risk breast and/or ovarian cancer patients (Kwong A et al. Breast Cancer Res Treat. 2009 Oct;117:683-6; Gonzalez-Hormazabal P et al. Breast Cancer Res Treat. 2011 Apr;126:705-16; Bhaskaran SP et al. Int J Cancer. 2019 Aug;145:962-973). This variant is considered to be rare based on population cohorts in the Genome Aggregation Database (gnomAD). In addition to the clinical data presented in the literature, this alteration is expected to result in loss of function by premature protein truncation or nonsense-mediated mRNA decay. As such, this alteration is interpreted as a disease-causing mutation.

Consortium of Investigators of Modifiers of BRCA1/2 (CIMBA), c/o University of Cambridge
Classification: Pathogenic for Breast-ovarian cancer, familial, susceptibility to, 2. Last evaluated: 2015-10-02. Review status: criteria provided, single submitter. Criteria: CIMBA Mutation Classification guidelines May 2016. Collection method: clinical testing. Allele origin: germline. Not counted in ClinVar's aggregate classification.

Breast Cancer Information Core (BIC) (BRCA2)
Classification: Pathogenic for Breast-ovarian cancer, familial 2. Last evaluated: 2013-02-20. Review status: no assertion criteria provided. Collection method: clinical testing. Allele origin: germline, somatic. Affected: yes. Observed: 2 variant alleles. Not counted in ClinVar's aggregate classification.

Literature cited by the submitters: PubMed 20104584 (cited by Labcorp Genetics (formerly Invitae), Labcorp); PubMed 19353265 (cited by Labcorp Genetics (formerly Invitae), Labcorp and Ambry Genetics); PubMed 20859677 (cited by Labcorp Genetics (formerly Invitae), Labcorp and Ambry Genetics); PubMed 30702160 (cited by Ambry Genetics).

NM_000059.4(BRCA2):c.8068_8069del (p.Val2690fs)

Gene: BRCA2 (BRCA2 DNA repair associated; plus strand). Cytogenetic location: 13q13.1.
Variant type: Microsatellite.
Coding change: c.8068_8069del on transcript NM_000059.4 (MANE Select); coding-DNA positions 8068 to 8069, 2 bases deleted (GT; older notation c.8068_8069delGT).
Protein change: p.Val2690fs; shifts the reading frame from valine 2690.
Molecular consequence: frameshift variant.
Genome position (GRCh38, 1-based): chr13:32,363,270-32,363,271, GT deleted; deleting any 2 consecutive bases within chr13:32,363,267-32,363,271 gives the same sequence; the c. name uses the placement nearest the transcript's 3' end. VCF-style (leftmost placement, unchanged base first): chr13-32363266-CTG-C. GRCh37 (hg19) VCF-style: chr13-32937403-CTG-C.
Other names: 8296delGT; c.8068_8069delGT (NM_000059.3); short protein forms V2690fs.
Identifiers: ClinVar variation 52495 (VCV000052495.15), dbSNP rs80359694, ClinGen allele CA025436.